The following is an entry in ClinVar:

ClinVar aggregate classification (germline): Uncertain significance (1 of 4 stars; one submission).

Conditions:
Spastic paraplegia. Identifiers: MedGen C0037772, HP:0001258.

Submission:

Labcorp Genetics (formerly Invitae), Labcorp
Classification: Uncertain significance for Spastic paraplegia. Last evaluated: 2022-09-13. Review status: criteria provided, single submitter. Criteria: Invitae Variant Classification Sherloc (09022015). Collection method: clinical testing. Allele origin: germline.
Comment: In summary, the available evidence is currently insufficient to determine the role of this variant in disease. Therefore, it has been classified as a Variant of Uncertain Significance. Advanced modeling of protein sequence and biophysical properties (such as structural, functional, and spatial information, amino acid conservation, physicochemical variation, residue mobility, and thermodynamic stability) has been performed at Invitae for this missense variant, however the output from this modeling did not meet the statistical confidence thresholds required to predict the impact of this variant on KIF5A protein function. This variant has not been reported in the literature in individuals affected with KIF5A-related conditions. This variant is not present in population databases (gnomAD no frequency). This sequence change replaces serine, which is neutral and polar, with phenylalanine, which is neutral and non-polar, at codon 776 of the KIF5A protein (p.Ser776Phe).

NM_004984.4(KIF5A):c.2327C>T (p.Ser776Phe)

Gene: KIF5A (kinesin family member 5A; plus strand). Cytogenetic location: 12q13.3.
Variant type: single nucleotide variant.
Coding change: c.2327C>T on transcript NM_004984.4 (MANE Select); coding-DNA position 2327, C replaced by T.
Protein change: p.Ser776Phe; replaces serine 776 with phenylalanine.
Molecular consequence: missense variant.
Genome position (GRCh38, 1-based): chr12:57,577,739, C>T. VCF-style: chr12-57577739-C-T. GRCh37 (hg19) VCF-style: chr12-57971522-C-T.
Other names: c.2060C>T, p.Ser687Phe (NM_001354705.2); short protein forms S687F, S776F.
Identifiers: ClinVar variation 2117067 (VCV002117067.4), dbSNP rs2540511321, ClinGen allele CA385512558.